The following is an entry in ClinVar:

ClinVar aggregate classification (germline): Pathogenic (1 of 4 stars; one submission).

Submission:

Labcorp Genetics (formerly Invitae), Labcorp
Classification: Pathogenic. Last evaluated: 2023-06-09. Review status: criteria provided, single submitter. Criteria: Invitae Variant Classification Sherloc (09022015). Collection method: clinical testing. Allele origin: germline.
Comment: For these reasons, this variant has been classified as Pathogenic. This variant has not been reported in the literature in individuals affected with ATP8B1-related conditions. This variant is not present in population databases (gnomAD no frequency). This sequence change creates a premature translational stop signal (p.Leu1038*) in the ATP8B1 gene. It is expected to result in an absent or disrupted protein product. Loss-of-function variants in ATP8B1 are known to be pathogenic (PMID: 15239083, 22525741).

Literature cited by the submitters: PubMed 15239083; PubMed 22525741.

NM_001374385.1(ATP8B1):c.3113T>A (p.Leu1038Ter)

Genes: ATP8B1 (ATPase phospholipid transporting 8B1; minus strand), ATP8B1-AS1 (ATP8B1 antisense RNA 1; plus strand). Cytogenetic location: 18q21.31.
Variant type: single nucleotide variant.
Coding change: c.3113T>A on transcript NM_001374385.1 (MANE Select); coding-DNA position 3113, T replaced by A.
Protein change: p.Leu1038Ter; replaces leucine 1038 with a stop codon.
Molecular consequence: nonsense.
Genome position (GRCh38, 1-based): chr18:57,652,632, A>T on the plus strand (T>A on the coding strand, the complement: ATP8B1 is on the minus strand). VCF-style: chr18-57652632-A-T. GRCh37 (hg19) VCF-style: chr18-55319864-A-T.
Other names: c.2963T>A, p.Leu988Ter (NM_001374386.1); c.3113T>A, p.Leu1038Ter (NM_005603.6); short protein forms L988*, L1038*.
Identifiers: ClinVar variation 2833127 (VCV002833127.3), dbSNP rs2511619782, ClinGen allele CA402544404.